The following is an entry in ClinVar:

NM_000138.5(FBN1):c.1134del (p.Ile379fs)

Genes: FBN1 (fibrillin 1; minus strand), LOC113939944 (Sharpr-MPRA regulatory region 9539; plus strand). Cytogenetic location: 15q21.1.
Variant type: Deletion.
Coding change: c.1134del on transcript NM_000138.5 (MANE Select); coding-DNA position 1134, one base deleted (C; older notation c.1134delC).
Protein change: p.Ile379fs; shifts the reading frame from isoleucine 379.
Molecular consequence: frameshift variant.
Genome position (GRCh38, 1-based): chr15:48,520,672, G deleted on the plus strand (C on the coding strand, the reverse complement: FBN1 is on the minus strand); the first of 3 consecutive G bases (chr15:48,520,672-48,520,674); deleting any one gives the same sequence. VCF-style (leftmost placement, unchanged base first): chr15-48520671-TG-T. GRCh37 (hg19) VCF-style: chr15-48812868-TG-T.
Other names: c.1134delC (NM_000138.4); short protein forms I379fs.
Identifiers: ClinVar variation 406292 (VCV000406292.12), dbSNP rs1060501038, ClinGen allele CA16614832.

ClinVar aggregate classification (germline): Pathogenic. Review status: criteria provided, multiple submitters, no conflicts (2 of 4 stars). 3 submissions from 2 submitters: Pathogenic (3). Last evaluated 2016-10-01.

Conditions:
Familial thoracic aortic aneurysm and aortic dissection (TAAD). Also called: Thoracic aortic aneurysms and dissections. Identifiers: Orphanet 91387, MedGen C4707243, MONDO:0019625.
Marfan syndrome (MFS). Also called: Marfan syndrome, classic; Marfan syndrome type 1; Marfan's syndrome; MARFAN SYNDROME, TYPE I; FBN1-Related Marfan Syndrome. Identifiers: Orphanet 284963, Orphanet 558, MedGen C0024796, MONDO:0007947, OMIM 154700.

Submissions (3):

Labcorp Genetics (formerly Invitae), Labcorp
Classification: Pathogenic for Marfan syndrome. Last evaluated: 2016-10-01. Review status: criteria provided, single submitter. Criteria: Invitae Variant Classification Sherloc (09022015). Collection method: clinical testing. Allele origin: germline.
Comment: This sequence change deletes 1 nucleotide from exon 10 of the FBN1 mRNA (c.1134delC), causing a frameshift at codon 379. This creates a premature translational stop signal (p.Ile379Serfs*16) and is expected to result in an absent or disrupted protein product. While this particular variant has not been reported in the literature, loss-of-function variants in FBN1 are known to be pathogenic (PMID: 17657824, 19293843). For these reasons, this variant has been classified as Pathogenic.

Labcorp Genetics (formerly Invitae), Labcorp
Classification: Pathogenic for Marfan syndrome; Familial thoracic aortic aneurysm and aortic dissection. Last evaluated: 2016-10-01. Review status: criteria provided, single submitter. Criteria: Invitae Variant Classification Sherloc (09022015). Collection method: clinical testing. Allele origin: germline.
Comment: For these reasons, this variant has been classified as Pathogenic. While this particular variant has not been reported in the literature, loss-of-function variants in FBN1 are known to be pathogenic (PMID: 17657824, 19293843). This sequence change deletes 1 nucleotide from exon 10 of the FBN1 mRNA (c.1134delC), causing a frameshift at codon 379. This creates a premature translational stop signal (p.Ile379Serfs*16) and is expected to result in an absent or disrupted protein product.

Ambry Genetics
Classification: Pathogenic for Familial thoracic aortic aneurysm and aortic dissection. Last evaluated: 2016-09-09. Review status: criteria provided, single submitter. Criteria: Ambry Variant Classification Scheme 2023. Collection method: clinical testing. Allele origin: germline.
Comment: The c.1134delC pathogenic mutation, located in coding exon 9 of the FBN1 gene, results from a deletion of one nucleotide at position 1134, causing a translational frameshift with a predicted alternate stop codon (p.I379Sfs*16). This alteration is expected to result in loss of function by premature protein truncation or nonsense-mediated mRNA decay. As such, this alteration is interpreted as a disease-causing mutation.

Literature cited by the submitters: PubMed 17657824 (cited by Labcorp Genetics (formerly Invitae), Labcorp); PubMed 19293843 (cited by Labcorp Genetics (formerly Invitae), Labcorp).